The following is an entry in ClinVar:

NM_020975.6(RET):c.2548G>T (p.Asp850Tyr)

Gene: RET (ret proto-oncogene; plus strand). Cytogenetic location: 10q11.21.
Variant type: single nucleotide variant.
Coding change: c.2548G>T on transcript NM_020975.6 (MANE Select); coding-DNA position 2548, G replaced by T.
Protein change: p.Asp850Tyr; replaces aspartic acid 850 with tyrosine.
Molecular consequence: missense variant.
Genome position (GRCh38, 1-based): chr10:43,119,686, G>T. VCF-style: chr10-43119686-G-T. GRCh37 (hg19) VCF-style: chr10-43615134-G-T.
Other names: c.2548G>T (NM_020630.5); c.2419G>T, p.Asp807Tyr (NM_001406764.1, NM_001406761.1, NM_001406762.1); c.2413G>T, p.Asp805Tyr (NM_001406765.1, NM_001406763.1); c.2260G>T, p.Asp754Tyr (NM_001406766.1, NM_001406767.1, NM_001406770.1); c.2284G>T, p.Asp762Tyr (NM_001406768.1); c.2152G>T, p.Asp718Tyr (NM_001406769.1, NM_001406772.1); c.2110G>T, p.Asp704Tyr (NM_001406771.1, NM_001406773.1); c.1522G>T, p.Asp508Tyr (NM_001406783.1, NM_001406786.1); and 11 more; short protein forms D850Y, D596Y, D367Y, D455Y, D704Y, D762Y, D675Y, D754Y.
Identifiers: ClinVar variation 233687 (VCV000233687.21), dbSNP rs772862503, ClinGen allele CA10578867.

ClinVar aggregate classification (germline): Uncertain significance. Review status: criteria provided, multiple submitters, no conflicts (2 of 4 stars). 8 submissions from 8 submitters: Uncertain significance (8). Last evaluated 2026-05-15.

Conditions:
Hereditary cancer-predisposing syndrome. Also called: Neoplastic Syndromes, Hereditary; Tumor predisposition; Hereditary Cancer Syndrome; Hereditary neoplastic syndrome. Identifiers: Orphanet 140162, MedGen C0027672, MeSH D009386, MONDO:0015356.
Multiple endocrine neoplasia, type 2 (MEN2). Identifiers: Orphanet 653, MedGen C4048306, MONDO:0019003. Disease mechanism: gain of function.
Hirschsprung disease, susceptibility to, 1 (HSCR1). Also called: RET-Related Hirschsprung Disease. Identifiers: Orphanet 388, MedGen C3888239, MONDO:0007723, OMIM 142623.
Multiple endocrine neoplasia type 2A. Also called: MULTIPLE ENDOCRINE NEOPLASIA, TYPE IIA; PTC SYNDROME; SIPPLE SYNDROME; MEN 2A; MEN-2A syndrome; Pheochromocytoma and amyloid producing medullary thyroid carcinoma. Identifiers: Orphanet 247698, Orphanet 653, MedGen C0025268, MeSH D018813, MONDO:0008234, OMIM 171400.

Allele frequency attached by ClinVar (database versions not stated): TOPMed below 0.00001; gnomAD 0.00001.
gnomAD v4.1: 22 of 1,613,404 alleles (0.0014%); highest among the groups gnomAD compares: Non-Finnish European, 0.0018%; no homozygotes.

Submissions (8):

Women's Health and Genetics/Laboratory Corporation of America, LabCorp
Classification: Uncertain significance. Last evaluated: 2026-05-15. Review status: criteria provided, single submitter. Criteria: LabCorp Variant Classification Summary - May 2015. Collection method: clinical testing. Allele origin: germline.

Labcorp Genetics (formerly Invitae), Labcorp
Classification: Uncertain significance for Multiple endocrine neoplasia, type 2. Last evaluated: 2025-11-17. Review status: criteria provided, single submitter. Criteria: Invitae Variant Classification Sherloc (09022015). Collection method: clinical testing. Allele origin: germline.
Comment: This sequence change replaces aspartic acid, which is acidic and polar, with tyrosine, which is neutral and polar, at codon 850 of the RET protein (p.Asp850Tyr). This variant is not present in population databases (gnomAD no frequency). This variant has not been reported in the literature in individuals affected with RET-related conditions. ClinVar contains an entry for this variant (Variation ID: 233687). An algorithm developed to predict the effect of missense changes on protein structure and function (PolyPhen-2) suggests that this variant is likely to be disruptive. In summary, the available evidence is currently insufficient to determine the role of this variant in disease. Therefore, it has been classified as a Variant of Uncertain Significance.

St. Jude Molecular Pathology, St. Jude Children's Research Hospital
Classification: Uncertain significance for Multiple endocrine neoplasia type 2A. Last evaluated: 2024-09-23. Review status: criteria provided, single submitter. Criteria: St. Jude Assertion Criteria 2020. Collection method: clinical testing. Allele origin: germline.
Comment: The RET c.2548G>T (p.Asp850Tyr) missense change is absent in gnomAD v2.1.1. The in silico tool REVEL predicts a deleterious effect on protein function, but to our knowledge this prediction has not been confirmed by functional studies. To our knowledge, this variant has not been reported in the literature in individuals with multiple endocrine neoplasia type II. In summary, the evidence currently available is insufficient to determine the clinical significance of this variant. It has therefore been classified as of uncertain significance.

All of Us Research Program, National Institutes of Health
Classification: Uncertain significance for Multiple endocrine neoplasia, type 2. Last evaluated: 2024-07-29. Review status: criteria provided, single submitter. Criteria: ACMG Guidelines, 2015. Collection method: clinical testing. Allele origin: germline. Inheritance: Autosomal dominant inheritance. Observed: 5 variant alleles, 5 heterozygotes.
Comment: This missense variant replaces aspartic acid with tyrosine at codon 850 of the RET protein. Computational prediction suggests that this variant may have deleterious impact on protein structure and function (internally defined REVEL score threshold >= 0.7, PMID: 27666373). To our knowledge, functional studies have not been reported for this variant. This variant has not been reported in individuals affected with RET-related disorders in the literature. This variant has not been identified in the general population by the Genome Aggregation Database (gnomAD). The available evidence is insufficient to determine the role of this variant in disease conclusively. Therefore, this variant is classified as a Variant of Uncertain Significance.

This study involves interpretation of variants in research participants for the purpose of population health screening. Participant phenotype was not available at the time of variant classification. Additional details can be found in publication PMID: 35346344, PMCID: PMC8962531

Color Diagnostics, LLC DBA Color Health
Classification: Uncertain significance for Multiple endocrine neoplasia, type 2. Last evaluated: 2024-07-16. Review status: criteria provided, single submitter. Criteria: ACMG Guidelines, 2015. Collection method: clinical testing. Allele origin: germline.
Comment: This missense variant replaces aspartic acid with tyrosine at codon 850 of the RET protein. Computational prediction suggests that this variant may have deleterious impact on protein structure and function. To our knowledge, functional studies have not been reported for this variant. This variant has not been reported in individuals affected with RET-related disorders in the literature. This variant has not been identified in the general population by the Genome Aggregation Database (gnomAD). The available evidence is insufficient to determine the role of this variant in disease conclusively. Therefore, this variant is classified as a Variant of Uncertain Significance.

Ambry Genetics
Classification: Uncertain significance for Hereditary cancer-predisposing syndrome. Last evaluated: 2024-05-09. Review status: criteria provided, single submitter. Criteria: Ambry Variant Classification Scheme 2023. Collection method: clinical testing. Allele origin: germline.
Comment: The p.D850Y variant (also known as c.2548G>T), located in coding exon 14 of the RET gene, results from a G to T substitution at nucleotide position 2548. The aspartic acid at codon 850 is replaced by tyrosine, an amino acid with highly dissimilar properties. This amino acid position is highly conserved in available vertebrate species. In addition, this alteration is predicted to be deleterious by in silico analysis. Based on the available evidence, the clinical significance of this variant remains unclear.

Baylor Genetics
Classification: Uncertain significance for Hirschsprung disease, susceptibility to, 1. Last evaluated: 2024-02-23. Review status: criteria provided, single submitter. Criteria: ACMG Guidelines, 2015. Collection method: clinical testing. Allele origin: unknown.

GeneDx
Classification: Uncertain significance. Last evaluated: 2022-06-03. Review status: criteria provided, single submitter. Criteria: GeneDx Variant Classification Process June 2021. Collection method: clinical testing. Allele origin: germline. Affected: yes.
Comment: Not observed at significant frequency in large population cohorts (gnomAD); In silico analysis supports that this missense variant has a deleterious effect on protein structure/function; Has not been previously published as pathogenic or benign to our knowledge; This variant is associated with the following publications: (PMID: 14633923)